The following is an entry in ClinVar:

NM_002386.4(MC1R):c.389C>G (p.Ser130Cys)

Gene: MC1R (melanocortin 1 receptor; plus strand). Cytogenetic location: 16q24.3.
Variant type: single nucleotide variant.
Coding change: c.389C>G on transcript NM_002386.4 (MANE Select); coding-DNA position 389, C replaced by G.
Protein change: p.Ser130Cys; replaces serine 130 with cysteine.
Molecular consequence: missense variant.
Genome position (GRCh38, 1-based): chr16:89,919,647, C>G. VCF-style: chr16-89919647-C-G. GRCh37 (hg19) VCF-style: chr16-89986055-C-G.
Other names: short protein forms S130C.
Identifiers: ClinVar variation 1413613 (VCV001413613.6), dbSNP rs377025135, ClinGen allele CA397460550.
Genomic context (GRCh38, chr16:89,919,647, plus strand): 5'-CTGCGGTGCTGCAGCAGCTGGACAATGTCATTGACGTGATCACCTGCAGCTCCATGCTGT[C>G]CAGCCTCTGCTTCCTGGGCGCCATCGCCGTGGACCGCTACATCTCCATCTTCTACGCACT-3'
Protein context (NP_002377.4, residues 120-140): IDVITCSSML[Ser130Cys]SLCFLGAIAV

ClinVar aggregate classification (germline): Uncertain significance (1 of 4 stars; one submission).

Conditions:
Melanoma, cutaneous malignant, susceptibility to, 5. Also called: Cutaneous malignant melanoma 5. Identifiers: Orphanet 618, MedGen C2751295, MONDO:0013133, OMIM 613099.

Submission:

Labcorp Genetics (formerly Invitae), Labcorp
Classification: Uncertain significance for Melanoma, cutaneous malignant, susceptibility to, 5. Last evaluated: 2021-08-27. Review status: criteria provided, single submitter. Criteria: Invitae Variant Classification Sherloc (09022015). Collection method: clinical testing. Allele origin: germline.
Comment: In summary, the available evidence is currently insufficient to determine the role of this variant in disease. Therefore, it has been classified as a Variant of Uncertain Significance. This sequence change replaces serine with cysteine at codon 130 of the MC1R protein (p.Ser130Cys). The serine residue is highly conserved and there is a moderate physicochemical difference between serine and cysteine. This variant is not present in population databases (ExAC no frequency). This variant has not been reported in the literature in individuals affected with MC1R-related conditions. Algorithms developed to predict the effect of missense changes on protein structure and function are either unavailable or do not agree on the potential impact of this missense change (SIFT: "Deleterious"; PolyPhen-2: "Benign"; Align-GVGD: "Class C65").